The following is an entry in ClinVar:

ClinVar aggregate classification (germline): Uncertain significance (1 of 4 stars; one submission).

Allele frequency attached by ClinVar (database versions not stated): TOPMed below 0.00001.

Submission:

GeneDx
Classification: Uncertain significance. Last evaluated: 2016-10-03. Review status: criteria provided, single submitter. Criteria: GeneDx Variant Classification (06012015). Collection method: clinical testing. Allele origin: germline. Affected: yes.
Comment: The c.179-12T>G variant in the ATPAF2 gene has not been reported previously as a pathogenic variant nor as a benign variant, to our knowledge. This variant is predicted to damage the natural splice acceptor site in intron 2, which may cause abnormal gene splicing. However, in the absence of RNA/functional studies, the actual effect of this sequence change is unknown. The c.179-12T>G variant was not observed in approximately 6500 individuals of European and African American ancestry in the NHLBI Exome Sequencing Project, indicating it is not a common benign variant in these populations. We interpret c.179-12T>G as a variant of uncertain significance.

NM_145691.4(ATPAF2):c.179-12T>G

Gene: ATPAF2 (ATP synthase mitochondrial F1 complex assembly factor 2; minus strand). Cytogenetic location: 17p11.2.
Variant type: single nucleotide variant.
Coding change: c.179-12T>G on transcript NM_145691.4 (MANE Select); 12 bases into the intron before coding-DNA position 179, T replaced by G.
Molecular consequence: intron variant.
Genome position (GRCh38, 1-based): chr17:18,028,389, A>C on the plus strand (T>G on the coding strand, the complement: ATPAF2 is on the minus strand). VCF-style: chr17-18028389-A-C. GRCh37 (hg19) VCF-style: chr17-17931703-A-C.
Identifiers: ClinVar variation 389601 (VCV000389601.2), dbSNP rs1057523484, ClinGen allele CA16608389.